The following is an entry in ClinVar:

NM_001083962.2(TCF4):c.1478C>A (p.Pro493His)

Gene: TCF4 (transcription factor 4; minus strand). Cytogenetic location: 18q21.2.
Variant type: single nucleotide variant.
Coding change: c.1478C>A on transcript NM_001083962.2 (MANE Select); coding-DNA position 1478, C replaced by A.
Protein change: p.Pro493His; replaces proline 493 with histidine.
Molecular consequence: missense variant.
Genome position (GRCh38, 1-based): chr18:55,234,556, G>T on the plus strand (C>A on the coding strand, the complement: TCF4 is on the minus strand). VCF-style: chr18-55234556-G-T. GRCh37 (hg19) VCF-style: chr18-52901787-G-T.
Other names: c.1784C>A, p.Pro595His (NM_001243226.3); c.1406C>A, p.Pro469His (NM_001243227.2, NM_001306207.1, NM_001348217.1 and 5 more transcripts); c.1496C>A, p.Pro499His (NM_001243228.2); c.1469C>A, p.Pro490His (NM_001243230.2); c.1352C>A, p.Pro451His (NM_001243231.2, NM_001348211.2); c.1265C>A, p.Pro422His (NM_001243232.1, NM_001306208.1); c.1088C>A, p.Pro363His (NM_001243233.2, NM_001330605.3, NM_001348212.2 and 1 more transcripts); c.998C>A, p.Pro333His (NM_001243234.2, NM_001243235.2, NM_001243236.2 and 1 more transcripts); and 6 more; short protein forms P277H, P332H, P333H, P363H, P422H, P451H, P468H, P469H.
Identifiers: ClinVar variation 4072772 (VCV004072772.1).

ClinVar aggregate classification (germline): Uncertain significance (1 of 4 stars; one submission).

gnomAD v4.1: 3 of 1,614,036 alleles (0.00019%); highest among the groups gnomAD compares: Non-Finnish European, 0.00017%; no homozygotes.

Submission:

GeneDx
Classification: Uncertain significance. Last evaluated: 2025-01-31. Review status: criteria provided, single submitter. Criteria: GeneDx Variant Classification Process June 2021. Collection method: clinical testing. Allele origin: germline. Affected: yes.
Comment: Not observed at significant frequency in large population cohorts (gnomAD); In silico analysis indicates that this missense variant does not alter protein structure/function; Has not been previously published as pathogenic or benign to our knowledge